The following is an entry in ClinVar:

ClinVar aggregate classification (germline): Uncertain significance (1 of 4 stars; one submission).

gnomAD v4.1: 7 of 1,614,210 alleles (0.00043%); highest among the groups gnomAD compares: Non-Finnish European, 0.00042%; no homozygotes.

Submission:

Ambry Genetics
Classification: Uncertain significance. Last evaluated: 2025-02-15. Review status: criteria provided, single submitter. Criteria: Ambry Variant Classification Scheme 2023. Collection method: clinical testing. Allele origin: germline.
Comment: The p.A188V variant (also known as c.563C>T), located in coding exon 6 of the A2ML1 gene, results from a C to T substitution at nucleotide position 563. The alanine at codon 188 is replaced by valine, an amino acid with similar properties. This amino acid position is conserved. In addition, this alteration is predicted to be tolerated by in silico analysis. Based on the available evidence, the clinical significance of this variant remains unclear.

NM_144670.6(A2ML1):c.563C>T (p.Ala188Val)

Gene: A2ML1 (alpha-2-macroglobulin like 1; plus strand). Cytogenetic location: 12p13.31.
Variant type: single nucleotide variant.
Coding change: c.563C>T on transcript NM_144670.6 (MANE Select); coding-DNA position 563, C replaced by T.
Protein change: p.Ala188Val; replaces alanine 188 with valine.
Molecular consequence: missense variant.
Genome position (GRCh38, 1-based): chr12:8,835,586, C>T. VCF-style: chr12-8835586-C-T. GRCh37 (hg19) VCF-style: chr12-8988182-C-T.
Other names: short protein forms A188V.
Identifiers: ClinVar variation 3851018 (VCV003851018.1).
Genomic context (GRCh38, chr12:8,835,586, plus strand): 5'-TTGCACAGTGGCTGGAAGTGGTACCTGAGCAAGGCATTGTAGACCTGTCCTTCCAACTGG[C>T]ACCAGAGGCAATGCTGGGCACCTACACTGTGGCAGTGGCTGAGGGCAAGACCTTTGGTAC-3'
Protein context (NP_653271.3, residues 178-198): QGIVDLSFQL[Ala188Val]PEAMLGTYTV